The following is an entry in ClinVar:

ClinVar aggregate classification (germline): Pathogenic (1 of 4 stars; one submission).

Conditions:
Peroxisome biogenesis disorder 4B (PBD4B). Also called: SPINOCEREBELLAR ATAXIA WITH BLINDNESS AND DEAFNESS 1. Identifiers: Orphanet 44, Orphanet 95433, MedGen C3553937, MONDO:0013931, OMIM 614863.

Submission:

Institute of Rare Diseases, West China Hospital, Sichuan University
Classification: Pathogenic for Peroxisome biogenesis disorder 4B. Last evaluated: 2025-01-09. Review status: criteria provided, single submitter. Criteria: ClinGen HL ACMG Specifications v1. Collection method: research. Allele origin: germline. Affected: yes.
Comment: PVS1;PM3_Supporting;PM2_Supporting

NM_000287.4(PEX6):c.3G>T (p.Met1Ile)

Gene: PEX6 (peroxisomal biogenesis factor 6; minus strand). Cytogenetic location: 6p21.1.
Variant type: single nucleotide variant.
Coding change: c.3G>T on transcript NM_000287.4 (MANE Select); coding-DNA position 3, G replaced by T.
Protein change: p.Met1Ile; changes the start codon (methionine 1).
Molecular consequence: missense variant, initiator codon variant. On other transcripts: non-coding transcript variant (1).
Genome position (GRCh38, 1-based): chr6:42,979,148, C>A on the plus strand (G>T on the coding strand, the complement: PEX6 is on the minus strand). VCF-style: chr6-42979148-C-A. GRCh37 (hg19) VCF-style: chr6-42946886-C-A.
Other names: c.3G>T, p.Met1Ile (NM_001316313.2); short protein forms M1I.
Identifiers: ClinVar variation 3601634 (VCV003601634.1).